The following is an entry in ClinVar:

ClinVar aggregate classification (germline): Likely pathogenic. Review status: criteria provided, multiple submitters, no conflicts (2 of 4 stars). 2 submissions from 2 submitters: Likely pathogenic (2). Last evaluated 2025-11-26.

Conditions:
Primary hyperoxaluria. Identifiers: Orphanet 416, MedGen C0020501, MONDO:0002474.
Primary hyperoxaluria, type I (HP1). Also called: GLYCOLIC ACIDURIA; HEPATIC AGT DEFICIENCY; OXALOSIS I; Primary hyperoxaluria type 1. Identifiers: Orphanet 416, Orphanet 93598, MedGen C0268164, MONDO:0009823, OMIM 259900. Disease mechanism: loss of function.

Submissions (2):

Myriad Genetics, Inc.
Classification: Likely pathogenic for Primary hyperoxaluria, type I. Last evaluated: 2025-11-26. Review status: criteria provided, single submitter. Criteria: Myriad Autosomal Dominant, Autosomal Recessive and X-Linked Classification Criteria (2023). Collection method: clinical testing. Allele origin: unknown.
Comment: NM_000030.2(AGXT):c.165+1G>T is a variant in a canonical splice site classified as likely pathogenic in the context of primary hyperoxaluria type 1. c.165+1G>T has not been observed in cases with relevant disease. Relevant functional assessments of this variant are not available in the literature. c.165+1G>T has not been observed in referenced population frequency databases. In summary, NM_000030.2(AGXT):c.165+1G>T is a variant in a canonical splice site in a gene where loss of function is a known mechanism of disease and is predicted to disrupt protein function. Please note: this variant was assessed in the context of healthy population screening.

Women's Health and Genetics/Laboratory Corporation of America, LabCorp
Classification: Likely pathogenic for Primary hyperoxaluria. Last evaluated: 2023-04-17. Review status: criteria provided, single submitter. Criteria: LabCorp Variant Classification Summary - May 2015. Collection method: clinical testing. Allele origin: germline.
Comment: Variant summary: AGXT c.165+1G>T is located in a canonical splice-site and is predicted to affect mRNA splicing resulting in a significantly altered protein due to either exon skipping, shortening, or inclusion of intronic material. Several computational tools predict a significant impact on normal splicing: Four predict the variant abolishes a canonical 5' splicing donor site. However, these predictions have yet to be confirmed by functional studies. The variant was absent in 216458 control chromosomes. To our knowledge, no occurrence of c.165+1G>T in individuals affected with Primary Hyperoxaluria Type 1 and no experimental evidence demonstrating its impact on protein function have been reported. No submitters have provided clinical-significance assessments for this variant to ClinVar after 2014. Based on the evidence outlined above, the variant was classified as likely pathogenic.

NM_000030.3(AGXT):c.165+1G>T

Gene: AGXT (alanine--glyoxylate aminotransferase; plus strand). Cytogenetic location: 2q37.3.
Variant type: single nucleotide variant.
Coding change: c.165+1G>T on transcript NM_000030.3 (MANE Select); the canonical splice donor site of the intron after coding-DNA position 165, G replaced by T.
Molecular consequence: splice donor variant.
Genome position (GRCh38, 1-based): chr2:240,869,031, G>T. VCF-style: chr2-240869031-G-T. GRCh37 (hg19) VCF-style: chr2-241808448-G-T.
Identifiers: ClinVar variation 2503875 (VCV002503875.2), dbSNP rs2528739362, ClinGen allele CA351313334.
Genomic context (GRCh38, chr2:240,869,031, plus strand): 5'-CGCATCATGGCAGCCGGGGGGCTGCAGATGATCGGGTCCATGAGCAAGGATATGTACCAG[G>T]TAGGAGTGGGGGTCACTCGGGGGGCCTGGGTCTCACCCATGTTCCCACCCACAGATCGTG-3'